The following is an entry in ClinVar:

ClinVar aggregate classification (germline): Uncertain significance. Review status: criteria provided, multiple submitters, no conflicts (2 of 4 stars). 2 submissions from 2 submitters: Uncertain significance (2). Last evaluated 2025-04-14.

Conditions:
Hereditary cancer-predisposing syndrome. Also called: Tumor predisposition; Neoplastic Syndromes, Hereditary; Hereditary Cancer Syndrome; Hereditary neoplastic syndrome. Identifiers: Orphanet 140162, MedGen C0027672, MeSH D009386, MONDO:0015356.
Familial cancer of breast. Also called: Hereditary breast cancer; BREAST CANCER, FAMILIAL; hereditary breast carcinoma. Identifiers: Orphanet 227535, MedGen C0346153, MONDO:0016419, OMIM 114480. Disease mechanism: loss of function.

Submissions (2):

Molecular Diagnostics Laboratory, Catalan Institute of Oncology
Classification: Uncertain significance for Hereditary cancer-predisposing syndrome. Last evaluated: 2025-04-14. Review status: criteria provided, single submitter. Criteria: ACMG Guidelines, 2015. Collection method: clinical testing. Allele origin: germline.
Comment: PM1, PM2_supporting, BP4 c.1100C>G, located in exon 11 of the CHEK2 gene, is predicted to result in the substitution of Threonine by Serine at codon 367, p.(Thr367Ser). It is located in the kinase domain in a highly conserved amino aced (226-486 aa) (PM1). It is not present in the population database gnomAD v2.1.1, non cancer dataset (PM2_supporting). The SpliceAI algorithm predicts no significant impact on splicing. The REVEL meta-predictor score for this variant (0.23) suggests that it does not affect the protein function according Pejaver 2022 thresholds (PMID: 36413997) (BP4). To our knowledge, neither relevant clinical data nor well-stablished functional studies have been reported for this variant. It has been reproted once in ClinVar as an uncertain significance variant. Based on the currently available information, c.1100C>G is classified as an uncertain significance variant according to ACMG guidelines.

Labcorp Genetics (formerly Invitae), Labcorp
Classification: Uncertain significance for Familial cancer of breast. Last evaluated: 2016-02-26. Review status: criteria provided, single submitter. Criteria: Invitae Variant Classification Sherloc (09022015). Collection method: clinical testing. Allele origin: germline.
Comment: This sequence change replaces threonine with serine at codon 367 of the CHEK2 protein (p.Thr367Ser). The threonine residue is highly conserved and there is a small physicochemical difference between threonine and serine. This variant is not present in population databases (ExAC no frequency) and has not been reported in the literature in individuals with a CHEK2-related disease. In summary, this is a novel missense change with uncertain impact on protein function. Therefore, it has been classified as a Variant of Uncertain Significance. Algorithms developed to predict the effect of missense changes on protein structure and function do not agree on the potential impact of this missense change (SIFT: "Deleterious"; PolyPhen-2: "Probably Damaging"; Align-GVGD: "Class C0").

NM_007194.4(CHEK2):c.1100C>G (p.Thr367Ser)

Gene: CHEK2 (checkpoint kinase 2; minus strand). Cytogenetic location: 22q12.1.
Variant type: single nucleotide variant.
Coding change: c.1100C>G on transcript NM_007194.4 (MANE Select); coding-DNA position 1100, C replaced by G.
Protein change: p.Thr367Ser; replaces threonine 367 with serine.
Molecular consequence: missense variant.
Genome position (GRCh38, 1-based): chr22:28,695,869, G>C on the plus strand (C>G on the coding strand, the complement: CHEK2 is on the minus strand). VCF-style: chr22-28695869-G-C. GRCh37 (hg19) VCF-style: chr22-29091857-G-C.
Other names: c.1229C>G, p.Thr410Ser (NM_001005735.3); c.437C>G, p.Thr146Ser (NM_001257387.3); c.899C>G, p.Thr300Ser (NM_001349956.3); c.1013C>G, p.Thr338Ser (NM_145862.3); short protein forms T367S, T146S, T338S, T300S, T410S.
Identifiers: ClinVar variation 240728 (VCV000240728.10), dbSNP rs878854910, ClinGen allele CA10583902.
Genomic context (GRCh38, chr22:28,695,869, plus strand): 5'-GTTCCACATAAGGTTCTCATGAGAGAGGTCTCTCCCAAAATCTTGGAGTGCCCAAAATCA[G>C]TAATCTAAAATTCAGTACAAAAGGGAATAATGTTGAACTTGCCATAAAATAAAAAGATTA-3'
Protein context (NP_009125.1, residues 357-377): SQEEDCLIKI[Thr367Ser]DFGHSKILGE